The following is an entry in ClinVar:

ClinVar aggregate classification (germline): Conflicting classifications of pathogenicity. Review status: criteria provided, conflicting classifications (1 of 4 stars). 4 submissions from 4 submitters: Uncertain significance (1); Likely benign (2). 1 of the submissions does not count toward it. Last evaluated 2024-06-25.

Conditions:
Hereditary cancer-predisposing syndrome. Also called: Neoplastic Syndromes, Hereditary; Tumor predisposition; Hereditary Cancer Syndrome; Hereditary neoplastic syndrome. Identifiers: Orphanet 140162, MedGen C0027672, MeSH D009386, MONDO:0015356.
KIT-related disorder. Also called: KIT-related condition.

Allele frequency attached by ClinVar (database versions not stated): gnomAD 0.00003; TOPMed 0.00004; gnomAD exomes 0.00005 and 0.00007; ESP Exome Variant Server 0.00008; ExAC 0.00009.
gnomAD v4.1: 71 of 1,613,476 alleles (0.0044%); highest among the groups gnomAD compares: Non-Finnish European, 0.0055%; no homozygotes.

Submissions (4):

GeneDx
Classification: Uncertain significance. Last evaluated: 2024-06-25. Review status: criteria provided, single submitter. Criteria: GeneDx Variant Classification Process June 2021. Collection method: clinical testing. Allele origin: germline. Affected: yes.
Comment: Has not been previously published as pathogenic or benign to our knowledge

Ambry Genetics
Classification: Likely benign for Hereditary cancer-predisposing syndrome. Last evaluated: 2022-12-16. Review status: criteria provided, single submitter. Criteria: Ambry Variant Classification Scheme 2023. Collection method: clinical testing. Allele origin: germline.

Blueprint Genetics
Classification: Likely benign. Last evaluated: 2020-05-04. Review status: criteria provided, single submitter. Criteria: ACMG Guidelines, 2015. Collection method: clinical testing. Allele origin: germline.

PreventionGenetics, part of Exact Sciences
Classification: Likely benign for KIT-related condition. Last evaluated: 2021-12-08. Review status: no assertion criteria provided. Collection method: clinical testing. Allele origin: germline. Not counted in ClinVar's aggregate classification.
Comment: This variant is classified as likely benign based on ACMG/AMP sequence variant interpretation guidelines (Richards et al. 2015 PMID: 25741868, with internal and published modifications).

NM_000222.3(KIT):c.-5C>T

Gene: KIT (KIT proto-oncogene, receptor tyrosine kinase; plus strand). Cytogenetic location: 4q12.
Variant type: single nucleotide variant.
Coding change: c.-5C>T on transcript NM_000222.3 (MANE Select); 5 bases upstream of the start codon, C replaced by T.
Molecular consequence: 5 prime UTR variant.
Genome position (GRCh38, 1-based): chr4:54,658,010, C>T. VCF-style: chr4-54658010-C-T. GRCh37 (hg19) VCF-style: chr4-55524177-C-T.
Other names: c.-5C>T (NM_001093772.2, NM_001385284.1, NM_001385285.1 and 4 more transcripts).
Identifiers: ClinVar variation 826116 (VCV000826116.9), dbSNP rs202070769, ClinGen allele CA2923110.